The following is an entry in ClinVar:

NM_001369.3(DNAH5):c.12287_12288delinsCGTTGGCAAATTTAAT (p.Trp4096fs)

Gene: DNAH5 (dynein axonemal heavy chain 5; minus strand). Cytogenetic location: 5p15.2.
Variant type: Indel.
Coding change: c.12287_12288delinsCGTTGGCAAATTTAAT on transcript NM_001369.3 (MANE Select); coding-DNA positions 12287 to 12288, GG replaced by CGTTGGCAAATTTAAT.
Protein change: p.Trp4096fs; shifts the reading frame from tryptophan 4096.
Molecular consequence: frameshift variant.
Genome position (GRCh38, 1-based): chr5:13,719,093-13,719,094, CC replaced by ATTAAATTTGCCAACG on the plus strand (GG replaced by CGTTGGCAAATTTAAT on the coding strand, the reverse complement: DNAH5 is on the minus strand). VCF-style: chr5-13719093-CC-ATTAAATTTGCCAACG. GRCh37 (hg19) VCF-style: chr5-13719202-CC-ATTAAATTTGCCAACG.
Other names: short protein forms W4096fs.
Identifiers: ClinVar variation 5010628 (VCV005010628.1).
Genomic context (GRCh38, chr5:13,719,093, plus strand): 5'-GATTATGTCCATCAGCTCATCCATGAAATCAAGTCCCAGATGGCAGTTCTGCAGAAGTGC[CC>ATTAAATTTGCCAACG]ATCCTCCCTGTCAATAGCAGTAAACGGAAATTAGGTAGTTTTGTATTTCACCCAAATTCT-3'

ClinVar aggregate classification (germline): Pathogenic (1 of 4 stars; one submission).

Conditions:
Primary ciliary dyskinesia 3. Identifiers: Orphanet 244, MedGen C1837618, MONDO:0012085, OMIM 608644.

Submission:

Myriad Genetics, Inc.
Classification: Pathogenic for Primary ciliary dyskinesia 3. Last evaluated: 2024-05-14. Review status: criteria provided, single submitter. Criteria: Myriad Autosomal Dominant, Autosomal Recessive and X-Linked Classification Criteria (2023). Collection method: clinical testing. Allele origin: unknown.
Comment: NM_001369.2(DNAH5):c.12287_12288del2ins16(W4096Sfs*22) is expected to be pathogenic in the context of primary ciliary dyskinesia, DNAH5-related. This variant is predicted to lead to an abnormal or absent protein product due to the creation of a premature termination codon in DNAH5, a gene where loss-of-function variants are known to be pathogenic. Please note: this variant was assessed in the context of healthy population screening.